The following is an entry in ClinVar:

NM_018026.4(PACS1):c.1447A>G (p.Met483Val)

Gene: PACS1 (phosphofurin acidic cluster sorting protein 1; plus strand). Cytogenetic location: 11q13.2.
Variant type: single nucleotide variant.
Coding change: c.1447A>G on transcript NM_018026.4 (MANE Select); coding-DNA position 1447, A replaced by G.
Protein change: p.Met483Val; replaces methionine 483 with valine.
Molecular consequence: missense variant.
Genome position (GRCh38, 1-based): chr11:66,230,620, A>G. VCF-style: chr11-66230620-A-G. GRCh37 (hg19) VCF-style: chr11-65998091-A-G.
Other names: short protein forms M483V.
Identifiers: ClinVar variation 2190520 (VCV002190520.4), dbSNP rs1855571118, ClinGen allele CA381366538.

ClinVar aggregate classification (germline): Uncertain significance (1 of 4 stars; one submission).

Conditions:
Schuurs-Hoeijmakers syndrome. Also called: PACS1-Related Neurodevelopmental Disorder. Identifiers: Orphanet 329224, MedGen C3554343, MONDO:0014006, OMIM 615009.

Allele frequency attached by ClinVar (database versions not stated): gnomAD exomes below 0.00001.
gnomAD v4.1: 5 of 1,614,158 alleles (0.00031%); highest among the groups gnomAD compares: African/African-American, 0.0013%; no homozygotes.

Submission:

Labcorp Genetics (formerly Invitae), Labcorp
Classification: Uncertain significance for Schuurs-Hoeijmakers syndrome. Last evaluated: 2025-11-17. Review status: criteria provided, single submitter. Criteria: Invitae Variant Classification Sherloc (09022015). Collection method: clinical testing. Allele origin: germline.
Comment: This sequence change replaces methionine, which is neutral and non-polar, with valine, which is neutral and non-polar, at codon 483 of the PACS1 protein (p.Met483Val). This variant is not present in population databases (gnomAD no frequency). This variant has not been reported in the literature in individuals affected with PACS1-related conditions. ClinVar contains an entry for this variant (Variation ID: 2190520). Invitae Evidence Modeling of protein sequence and biophysical properties (such as structural, functional, and spatial information, amino acid conservation, physicochemical variation, residue mobility, and thermodynamic stability) indicates that this missense variant is not expected to disrupt PACS1 protein function with a negative predictive value of 80%. In summary, the available evidence is currently insufficient to determine the role of this variant in disease. Therefore, it has been classified as a Variant of Uncertain Significance.